The following is an entry in ClinVar:

NM_001375524.1(TRRAP):c.8167G>C (p.Glu2723Gln)

Gene: TRRAP (transformation/transcription domain associated protein; plus strand). Cytogenetic location: 7q22.1.
Variant type: single nucleotide variant.
Coding change: c.8167G>C on transcript NM_001375524.1 (MANE Select); coding-DNA position 8167, G replaced by C.
Protein change: p.Glu2723Gln; replaces glutamic acid 2723 with glutamine.
Molecular consequence: missense variant.
Genome position (GRCh38, 1-based): chr7:98,976,690, G>C. VCF-style: chr7-98976690-G-C. GRCh37 (hg19) VCF-style: chr7-98574313-G-C.
Other names: c.8146G>C, p.Glu2716Gln (NM_001244580.2); c.8092G>C, p.Glu2698Gln (NM_003496.4); short protein forms E2698Q, E2716Q, E2723Q.
Identifiers: ClinVar variation 4777066 (VCV004777066.1).

ClinVar aggregate classification (germline): Uncertain significance (1 of 4 stars; one submission).

Submission:

Labcorp Genetics (formerly Invitae), Labcorp
Classification: Uncertain significance. Last evaluated: 2025-09-07. Review status: criteria provided, single submitter. Criteria: Invitae Variant Classification Sherloc (09022015). Collection method: clinical testing. Allele origin: germline.
Comment: This sequence change replaces glutamic acid, which is acidic and polar, with glutamine, which is neutral and polar, at codon 2698 of the TRRAP protein (p.Glu2698Gln). This variant is not present in population databases (gnomAD no frequency). This variant has not been reported in the literature in individuals affected with TRRAP-related conditions. Invitae Evidence Modeling of protein sequence and biophysical properties (such as structural, functional, and spatial information, amino acid conservation, physicochemical variation, residue mobility, and thermodynamic stability) indicates that this missense variant is not expected to disrupt TRRAP protein function with a negative predictive value of 80%. In summary, the available evidence is currently insufficient to determine the role of this variant in disease. Therefore, it has been classified as a Variant of Uncertain Significance.